The following is an entry in ClinVar:

ClinVar aggregate classification (germline): Conflicting classifications of pathogenicity. Review status: criteria provided, conflicting classifications (1 of 4 stars). 4 submissions from 4 submitters: Uncertain significance (2); Benign (1); Likely benign (1). Last evaluated 2026-04-01.

Conditions:
Cardiovascular phenotype. Identifiers: MedGen CN230736.
Long QT syndrome (LQTS). Identifiers: MedGen C0023976, MeSH D008133, MONDO:0002442. Disease mechanism: loss of function. Inheritance: Various modes of inheritance.
Long QT syndrome 11 (LQT11). Identifiers: Orphanet 101016, Orphanet 768, MedGen C2678483, MONDO:0012738, OMIM 611820.

Allele frequency attached by ClinVar (database versions not stated): ESP Exome Variant Server 0.00008; ExAC 0.00011; gnomAD exomes 0.00011 and 0.00015; gnomAD 0.00058 and 0.00060; TOPMed 0.00127; 1000 Genomes Project 0.00140; 1000 Genomes Project 30x 0.00156.
gnomAD v4.1: 180 of 1,614,076 alleles (0.011%); highest among the groups gnomAD compares: Admixed American, 0.26%; 3 homozygotes.

Submissions (4):

CeGaT Center for Human Genetics Tuebingen
Classification: Likely benign. Last evaluated: 2026-04-01. Review status: criteria provided, single submitter. Criteria: CeGaT Center For Human Genetics Tuebingen Variant Classification Criteria Version 2. Collection method: clinical testing. Allele origin: germline. Affected: yes. Observed: 2 variant alleles.
Comment: AKAP9: BS2

Labcorp Genetics (formerly Invitae), Labcorp
Classification: Uncertain significance for Long QT syndrome. Last evaluated: 2025-12-09. Review status: criteria provided, single submitter. Criteria: Invitae Variant Classification Sherloc (09022015). Collection method: clinical testing. Allele origin: germline.
Comment: This sequence change replaces lysine, which is basic and polar, with threonine, which is neutral and polar, at codon 14 of the AKAP9 protein (p.Lys14Thr). This variant is present in population databases (rs138107415, gnomAD 0.09%), and has an allele count higher than expected for a pathogenic variant. This variant has not been reported in the literature in individuals affected with AKAP9-related conditions. ClinVar contains an entry for this variant (Variation ID: 412028). An algorithm developed to predict the effect of missense changes on protein structure and function (PolyPhen-2) suggests that this variant is likely to be disruptive. In summary, the available evidence is currently insufficient to determine the role of this variant in disease. Therefore, it has been classified as a Variant of Uncertain Significance.

Ambry Genetics
Classification: Benign for Cardiovascular phenotype. Last evaluated: 2022-04-25. Review status: criteria provided, single submitter. Criteria: Ambry Variant Classification Scheme 2023. Collection method: clinical testing. Allele origin: germline.

Fulgent Genetics
Classification: Uncertain significance for Long QT syndrome 11. Last evaluated: 2021-09-13. Review status: criteria provided, single submitter. Criteria: ACMG Guidelines, 2015. Collection method: clinical testing. Allele origin: unknown.

NM_005751.5(AKAP9):c.41A>C (p.Lys14Thr)

Genes: AKAP9 (A-kinase anchoring protein 9; plus strand), LOC129998788 (ATAC-STARR-seq lymphoblastoid active region 26256; plus strand). Cytogenetic location: 7q21.2.
Variant type: single nucleotide variant.
Coding change: c.41A>C on transcript NM_005751.5 (MANE Select); coding-DNA position 41, A replaced by C.
Protein change: p.Lys14Thr; replaces lysine 14 with threonine.
Molecular consequence: missense variant.
Genome position (GRCh38, 1-based): chr7:91,941,140, A>C. VCF-style: chr7-91941140-A-C. GRCh37 (hg19) VCF-style: chr7-91570454-A-C.
Other names: c.41A>C, p.Lys14Thr (NM_147185.3); short protein forms K14T.
Identifiers: ClinVar variation 412028 (VCV000412028.36), dbSNP rs138107415, ClinGen allele CA4335694.